The following is an entry in ClinVar:

NM_001267550.2(TTN):c.56795del (p.Lys18932fs)

Genes: TTN (titin; minus strand), TTN-AS1 (TTN antisense RNA 1; plus strand). Cytogenetic location: 2q31.2.
Variant type: Deletion.
Coding change: c.56795del on transcript NM_001267550.2 (MANE Select); coding-DNA position 56795, one base deleted (A; older notation c.56795delA).
Protein change: p.Lys18932fs; shifts the reading frame from lysine 18932.
Molecular consequence: frameshift variant.
Genome position (GRCh38, 1-based): chr2:178,598,915, T deleted on the plus strand (A on the coding strand, the reverse complement: TTN is on the minus strand); the first of 2 consecutive T bases (chr2:178,598,915-178,598,916); deleting either gives the same sequence. VCF-style (leftmost placement, unchanged base first): chr2-178598914-CT-C. GRCh37 (hg19) VCF-style: chr2-179463641-CT-C.
Other names: c.51872del, p.Lys17291fs (NM_001256850.1); c.29600del, p.Lys9867fs (NM_003319.4); c.49091del, p.Lys16364fs (NM_133378.4); c.29975del, p.Lys9992fs (NM_133432.3); c.30176del, p.Lys10059fs (NM_133437.4); short protein forms K9867fs, K18932fs, K9992fs, K17291fs, K10059fs, K16364fs.
Identifiers: ClinVar variation 2921943 (VCV002921943.3), dbSNP rs2469868154, ClinGen allele CA2740096081.
Genomic context (GRCh38, chr2:178,598,914, plus strand): 5'-ACCAGTCACTTTATAAGAAACACCCAAAGTCATGGCTTTGATAGGATCTCGGTTAACTCT[CT>C]TCCATCTCTTTGAAGTGGTGTCTTTCATTTCCAGCCAGTACCCTGTCACAGGAGAGCCTC-3'

ClinVar aggregate classification (germline): Likely pathogenic (1 of 4 stars; one submission).

Conditions:
Dilated cardiomyopathy 1G (CMD1G). Identifiers: Orphanet 154, MedGen C1858763, MONDO:0011400, OMIM 604145.
Autosomal recessive limb-girdle muscular dystrophy type 2J (LGMDR10). Also called: Limb-girdle muscular dystrophy, type 2J; MUSCULAR DYSTROPHY, LIMB-GIRDLE, AUTOSOMAL RECESSIVE 10. Identifiers: Orphanet 140922, MedGen C1837342, MONDO:0012127, OMIM 608807.

Submission:

Labcorp Genetics (formerly Invitae), Labcorp
Classification: Likely pathogenic for Dilated cardiomyopathy 1G; Autosomal recessive limb-girdle muscular dystrophy type 2J. Last evaluated: 2024-01-04. Review status: criteria provided, single submitter. Criteria: Invitae Variant Classification Sherloc (09022015). Collection method: clinical testing. Allele origin: germline.
Comment: This sequence change creates a premature translational stop signal (p.Lys18932Argfs*11) in the TTN gene. While this is not anticipated to result in nonsense mediated decay, it is expected to create a truncated TTN protein. This variant is not present in population databases (gnomAD no frequency). This variant has not been reported in the literature in individuals affected with TTN-related conditions. This variant is located in the A band of TTN (PMID: 25589632). Truncating variants in this region are significantly overrepresented in patients affected with dilated cardiomyopathy (PMID: 25589632). Truncating variants in this region have also been reported in individuals affected with autosomal recessive centronuclear myopathy (PMID: 23975875). In summary, the currently available evidence indicates that the variant is pathogenic, but additional data are needed to prove that conclusively. Therefore, this variant has been classified as Likely Pathogenic.

Literature cited by the submitters: PubMed 25589632; PubMed 23975875.